The following is an entry in ClinVar:

ClinVar aggregate classification (germline): Pathogenic. Review status: reviewed by expert panel (3 of 4 stars). 4 submissions from 4 submitters: Pathogenic (1). 3 of the submissions do not count toward it. Last evaluated 2024-06-13.

Conditions:
Cerebral creatine deficiency syndrome. Also called: Creatine deficiency syndromes. Identifiers: Orphanet 79172, MedGen C5244016, MONDO:0000456.
Deficiency of guanidinoacetate methyltransferase (CCDS2). Also called: CEREBRAL CREATINE DEFICIENCY SYNDROME 2; Guanidinoacetate Methyltransferase (GAMT) Deficiency; GAMT DEFICIENCY. Identifiers: Orphanet 382, MedGen C0574080, MONDO:0012999, OMIM 612736.

Allele frequency attached by ClinVar (database versions not stated): gnomAD exomes below 0.00001.
gnomAD v4.1: 4 of 1,613,458 alleles (0.00025%); highest among the groups gnomAD compares: Non-Finnish European, 0.00025%; no homozygotes.

Submissions (4):

ClinGen Cerebral Creatine Deficiency Syndromes Variant Curation Expert Panel, ClinGen
Classification: Pathogenic for Deficiency of guanidinoacetate methyltransferase. Last evaluated: 2024-06-13. Review status: reviewed by expert panel. Criteria: ClinGen_CCDS_ACMG_Specifications_GAMT_v1.1. Collection method: curation. Allele origin: germline. Inheritance: Autosomal recessive inheritance.
Comment: The NM_000156.6:c.505T>C variant in GAMT is a missense variant predicted to cause substitution of cysteine by arginine at amino acid 169 (p.Cys169Arg). This variant has been identified in 3 individuals with a diagnosis of GAMT deficiency. One of these individuals had pretreatment marked elevation of guanidinoacetate and low/low normal creatine in plasma, urine, and CSF, and diminished creatine peak on brain MRS (ACD registry). Another proband was reported with elevated guanidinoacetate in plasma (PMID: 23660394, PMID: 24268530) (PP4_Strong). These individuals are all compound heterozygous for the variant and another variant in GAMT that has been classified as pathogenic by the ClinGen CCDS VCEP including c.522G>A (p.Trp174Ter) (ClinVar Variation ID: 205584, SCV002600143.1), confirmed in trans by parental testing (PMID: 23660394, PMID: 24268530) (1 point), c.299_311dup (ClinVar Variation ID: 8302, SCV002600154.1) confirmed in trans by parental testing (Association for Creatine Deficiencies registry) (1 point), and c.59G>C (p.Trp20Ser) (ClinVar Variation ID: 8303, SCV004009593.1), phase unconfirmed (Association for Creatine Deficiencies registry) (0.5 points) (PM3_Strong). This variant is absent in gnomAD v2.1.1 (PM2_Supporting). The computational predictor REVEL gives a score of 0.828, evidence that correlates with impact to GAMT function (PP3). A different missense variant at the same codon, c.506G>A (p.Cys169Tyr) (ClinVar ID: 8304, SCV004009598.1),has been classified as likely pathogenic by the ClinGen CCDS VCEP (PM5_Supporting) There is a ClinVar entry for this variant (Variation ID: 818179). In summary, this variant meets the criteria to be classified as pathogenic for GAMT deficiency based on the ACMG/AMP criteria applied, as specified by the ClinGen Cerebral Creatine Deficiency Syndromes Variant Curation Expert Panel (Specifications Version 1.1.0): PM3_Strong, PP4_Strong, PP3, PM2_Supporting, PM5_Supporting. (Classification approved by the ClinGen CCDS VCEP on June 13, 2024)

Women's Health and Genetics/Laboratory Corporation of America, LabCorp
Classification: Pathogenic for Deficiency of guanidinoacetate methyltransferase. Last evaluated: 2025-07-10. Review status: criteria provided, single submitter. Criteria: LabCorp Variant Classification Summary - May 2015. Collection method: clinical testing. Allele origin: germline. Not counted in ClinVar's aggregate classification.
Comment: Variant summary: GAMT c.505T>C (p.Cys169Arg) results in a non-conservative amino acid change located in the Arginine N-methyltransferase 2-like domain (IPR026480) of the encoded protein sequence. Algorithms developed to predict the effect of missense changes on protein structure and function all suggest that this variant is likely to be disruptive. The variant was absent in 250898 control chromosomes. c.505T>C has been observed in individual(s) affected with Cerebral Creatine Deficiency Syndrome 2 (Comeaux_2013, LCG internal data). These data indicate that the variant is likely to be associated with disease. A different variant affecting the same codon has been classified as likely pathogenic/pathogenic by our lab (c.506G>A, p.Cys169Tyr), supporting the critical relevance of codon 169 to GAMT protein function. To our knowledge, no experimental evidence demonstrating an impact on protein function has been reported. ClinVar contains an entry for this variant (Variation ID: 818179). Based on the evidence outlined above, the variant was classified as pathogenic.

Natera, Inc.
Classification: Likely pathogenic for Guanidinoacetate methyltransferase deficiency. Last evaluated: 2024-11-04. Review status: criteria provided, single submitter. Criteria: Natera Variant Classification Schema (03/2026). Collection method: clinical testing. Allele origin: germline. Not counted in ClinVar's aggregate classification.
Comment: The c.505T>C variant in GAMT is a missense variant predicted to cause substitution of cysteine to arginine at amino acid 169. This variant is rare in the general population with a frequency below the threshold expected for the associated phenotype(s). This variant has been observed in one or more individuals affected with the associated recessive disease, as either homozygous or compound heterozygous with a second variant (PMID: 23660394). A different variant at the same position has been determined to be Pathogenic or Likely Pathogenic. Computational prediction algorithms indicate this variant is likely to affect gene or protein function. Given the available evidence, this variant is classified as Likely Pathogenic.

Labcorp Genetics (formerly Invitae), Labcorp
Classification: Pathogenic for Cerebral creatine deficiency syndrome. Last evaluated: 2023-11-19. Review status: criteria provided, single submitter. Criteria: Invitae Variant Classification Sherloc (09022015). Collection method: clinical testing. Allele origin: germline. Not counted in ClinVar's aggregate classification.
Comment: This sequence change replaces cysteine, which is neutral and slightly polar, with arginine, which is basic and polar, at codon 169 of the GAMT protein (p.Cys169Arg). This variant is not present in population databases (gnomAD no frequency). This missense change has been observed in individual(s) with clinical features of cerebral creatine deficiency syndrome and/or clinical features of guanidinoacetate methyltransferase deficiency (PMID: 23660394; Invitae). In at least one individual the data is consistent with being in trans (on the opposite chromosome) from a pathogenic variant. ClinVar contains an entry for this variant (Variation ID: 818179). Advanced modeling of protein sequence and biophysical properties (such as structural, functional, and spatial information, amino acid conservation, physicochemical variation, residue mobility, and thermodynamic stability) has been performed at Invitae for this missense variant, however the output from this modeling did not meet the statistical confidence thresholds required to predict the impact of this variant on GAMT protein function. This variant disrupts the p.Cys169 amino acid residue in GAMT. Other variant(s) that disrupt this residue have been determined to be pathogenic (PMID: 15651030, 23234264, 24415674). This suggests that this residue is clinically significant, and that variants that disrupt this residue are likely to be disease-causing. For these reasons, this variant has been classified as Pathogenic.

Literature cited by the submitters: PubMed 23660394 (cited by 3 submitters); PubMed 15651030 (cited by Labcorp Genetics (formerly Invitae), Labcorp); PubMed 23234264 (cited by Labcorp Genetics (formerly Invitae), Labcorp); PubMed 24415674 (cited by Labcorp Genetics (formerly Invitae), Labcorp).

NM_000156.6(GAMT):c.505T>C (p.Cys169Arg)

Gene: GAMT (guanidinoacetate N-methyltransferase; minus strand). Cytogenetic location: 19p13.3.
Variant type: single nucleotide variant.
Coding change: c.505T>C on transcript NM_000156.6 (MANE Select); coding-DNA position 505, T replaced by C.
Protein change: p.Cys169Arg; replaces cysteine 169 with arginine.
Molecular consequence: missense variant.
Genome position (GRCh38, 1-based): chr19:1,398,981, A>G on the plus strand (T>C on the coding strand, the complement: GAMT is on the minus strand). VCF-style: chr19-1398981-A-G. GRCh37 (hg19) VCF-style: chr19-1398980-A-G.
Other names: NM_000156.6(GAMT):c.505T>C; p.Cys169Arg; c.505T>C (NM_000156.5); c.505T>C, p.Cys169Arg (NM_138924.3); short protein forms C169R.
Identifiers: ClinVar variation 818179 (VCV000818179.15), dbSNP rs1600158346, ClinGen allele CA402994533.